The following is an entry in ClinVar:

ClinVar aggregate classification (germline): Uncertain significance (1 of 4 stars; one submission).

Conditions:
Spastic paraplegia. Identifiers: MedGen C0037772, HP:0001258.

Submission:

Labcorp Genetics (formerly Invitae), Labcorp
Classification: Uncertain significance for Spastic paraplegia. Last evaluated: 2023-09-19. Review status: criteria provided, single submitter. Criteria: Invitae Variant Classification Sherloc (09022015). Collection method: clinical testing. Allele origin: germline.
Comment: ClinVar contains an entry for this variant (Variation ID: 2031551). Algorithms developed to predict the effect of sequence changes on RNA splicing suggest that this variant may disrupt the consensus splice site. In summary, the available evidence is currently insufficient to determine the role of this variant in disease. Therefore, it has been classified as a Variant of Uncertain Significance. This variant has not been reported in the literature in individuals affected with VAMP1-related conditions. This sequence change falls in intron 4 of the VAMP1 gene. It does not directly change the encoded amino acid sequence of the VAMP1 protein. This variant is not present in population databases (gnomAD no frequency).

NM_014231.5(VAMP1):c.341-18C>A

Genes: VAMP1 (vesicle associated membrane protein 1; minus strand), TAPBPL (TAP binding protein like; plus strand). Cytogenetic location: 12p13.31.
Variant type: single nucleotide variant.
Coding change: c.341-18C>A on transcript NM_014231.5 (MANE Select); 18 bases into the intron before coding-DNA position 341, C replaced by A.
Molecular consequence: intron variant. On other transcripts: 3 prime UTR variant (1).
Genome position (GRCh38, 1-based): chr12:6,464,504, G>T on the plus strand (C>A on the coding strand, the complement: VAMP1 is on the minus strand). VCF-style: chr12-6464504-G-T. GRCh37 (hg19) VCF-style: chr12-6573670-G-T.
Other names: c.*372C>A (NM_199245.3); c.340+386C>A (NM_016830.4, NM_001297438.2).
Identifiers: ClinVar variation 2031551 (VCV002031551.4), dbSNP rs1949954642, ClinGen allele CA2580086246.